The following is an entry in ClinVar:

NM_000059.4(BRCA2):c.5720C>G (p.Ser1907Cys)

Gene: BRCA2 (BRCA2 DNA repair associated; plus strand). Cytogenetic location: 13q13.1.
Variant type: single nucleotide variant.
Coding change: c.5720C>G on transcript NM_000059.4 (MANE Select); coding-DNA position 5720, C replaced by G.
Protein change: p.Ser1907Cys; replaces serine 1907 with cysteine.
Molecular consequence: missense variant.
Genome position (GRCh38, 1-based): chr13:32,340,075, C>G. VCF-style: chr13-32340075-C-G. GRCh37 (hg19) VCF-style: chr13-32914212-C-G.
Other names: c.5720C>G, p.Ser1907Cys (NM_001406719.1, NM_001406720.1); short protein forms S1907C.
Identifiers: ClinVar variation 1749284 (VCV001749284.4), dbSNP rs1555284376, ClinGen allele CA387786847.
Genomic context (GRCh38, chr13:32,340,075, plus strand): 5'-CGAAAATTATGGCAGGTTGTTACGAGGCATTGGATGATTCAGAGGATATTCTTCATAACT[C>G]TCTAGATAATGATGAATGTAGCACGCATTCACATAAGGTTTTTGCTGACATTCAGAGTGA-3'
Protein context (NP_000050.3, residues 1897-1917): LDDSEDILHN[Ser1907Cys]LDNDECSTHS

ClinVar aggregate classification (germline): Conflicting classifications of pathogenicity. Review status: criteria provided, conflicting classifications (1 of 4 stars). 2 submissions from 2 submitters: Uncertain significance (1); Likely benign (1). Last evaluated 2023-03-23.

Conditions:
Hereditary cancer-predisposing syndrome. Also called: Hereditary Cancer Syndrome; Hereditary neoplastic syndrome; Neoplastic Syndromes, Hereditary; Tumor predisposition. Identifiers: Orphanet 140162, MedGen C0027672, MeSH D009386, MONDO:0015356.

Submissions (2):

University of Washington Department of Laboratory Medicine, University of Washington
Classification: Likely benign for Hereditary cancer-predisposing syndrome. Last evaluated: 2023-03-23. Review status: criteria provided, single submitter. Criteria: Dines et al. (Genet Med. 2020). Collection method: curation. Allele origin: germline.
Comment: Missense variant in a coldspot region where missense variants are very unlikely to be pathogenic (PMID:31911673).

BRCA2 exon 11 coldspot. Reclassification based on statistical prior probability.

Ambry Genetics
Classification: Uncertain significance for Hereditary cancer-predisposing syndrome. Last evaluated: 2021-10-12. Review status: criteria provided, single submitter. Criteria: Ambry Variant Classification Scheme 2023. Collection method: clinical testing. Allele origin: germline.
Comment: The p.S1907C variant (also known as c.5720C>G), located in coding exon 10 of the BRCA2 gene, results from a C to G substitution at nucleotide position 5720. The serine at codon 1907 is replaced by cysteine, an amino acid with dissimilar properties. This amino acid position is not well conserved in available vertebrate species. In addition, the in silico prediction for this alteration is inconclusive. Since supporting evidence is limited at this time, the clinical significance of this alteration remains unclear.